The following is an entry in ClinVar:

NM_000492.4(CFTR):c.4340T>C (p.Val1447Ala)

Genes: CFTR (CF transmembrane conductance regulator; plus strand), LOC111674477 (CFTR intron 23 enhancer; plus strand). Cytogenetic location: 7q31.2.
Variant type: single nucleotide variant.
Coding change: c.4340T>C on transcript NM_000492.4 (MANE Select); coding-DNA position 4340, T replaced by C.
Protein change: p.Val1447Ala; replaces valine 1447 with alanine.
Molecular consequence: missense variant.
Genome position (GRCh38, 1-based): chr7:117,667,005, T>C. VCF-style: chr7-117667005-T-C. GRCh37 (hg19) VCF-style: chr7-117307059-T-C.
Other names: short protein forms V1447A.
Identifiers: ClinVar variation 3266678 (VCV003266678.1).

ClinVar aggregate classification (germline): Uncertain significance (1 of 4 stars; one submission).

Conditions:
Cystic fibrosis (CF). Also called: MUCOVISCIDOSIS. Identifiers: Orphanet 586, MedGen C0010674, MONDO:0009061, OMIM 219700. Disease mechanism: loss of function.

Submission:

Ambry Genetics
Classification: Uncertain significance for Cystic fibrosis. Last evaluated: 2024-05-17. Review status: criteria provided, single submitter. Criteria: Ambry Variant Classification Scheme 2023. Collection method: clinical testing. Allele origin: germline.
Comment: The p.V1447A variant (also known as c.4340T>C), located in coding exon 27 of the CFTR gene, results from a T to C substitution at nucleotide position 4340. The valine at codon 1447 is replaced by alanine, an amino acid with similar properties. This amino acid position is conserved. In addition, this alteration is predicted to be tolerated by in silico analysis. Based on the available evidence, the clinical significance of this variant remains unclear.